The following is an entry in ClinVar:

NM_000435.3(NOTCH3):c.2000G>A (p.Gly667Asp)

Gene: NOTCH3 (notch receptor 3; minus strand). Cytogenetic location: 19p13.12.
Variant type: single nucleotide variant.
Coding change: c.2000G>A on transcript NM_000435.3 (MANE Select); coding-DNA position 2000, G replaced by A.
Protein change: p.Gly667Asp; replaces glycine 667 with aspartic acid.
Molecular consequence: missense variant.
Genome position (GRCh38, 1-based): chr19:15,185,631, C>T on the plus strand (G>A on the coding strand, the complement: NOTCH3 is on the minus strand). VCF-style: chr19-15185631-C-T. GRCh37 (hg19) VCF-style: chr19-15296442-C-T.
Other names: c.2000G>A (NM_000435.2); short protein forms G667D.
Identifiers: ClinVar variation 1049764 (VCV001049764.12), dbSNP rs370386680, ClinGen allele CA9263464.

ClinVar aggregate classification (germline): Conflicting classifications of pathogenicity. Review status: criteria provided, conflicting classifications (1 of 4 stars). 5 submissions from 5 submitters: Uncertain significance (1); Benign (1); Likely benign (2). 1 of the submissions does not count toward it. Last evaluated 2026-05-21.

Allele frequency attached by ClinVar (database versions not stated): gnomAD 0.00006 and 0.00005; gnomAD exomes 0.00007 and 0.00011; ESP Exome Variant Server 0.00008; TOPMed 0.00007; ExAC 0.00009.
gnomAD v4.1: 160 of 1,613,504 alleles (0.0099%); highest among the groups gnomAD compares: Non-Finnish European, 0.013%; no homozygotes.

Submissions (5):

Women's Health and Genetics/Laboratory Corporation of America, LabCorp
Classification: Uncertain significance. Last evaluated: 2026-05-21. Review status: criteria provided, single submitter. Criteria: LabCorp Variant Classification Summary - May 2015. Collection method: clinical testing. Allele origin: germline.
Comment: Variant summary: NOTCH3 c.2000G>A (p.Gly667Asp) results in a non-conservative amino acid change in the encoded protein sequence. Algorithms developed to predict the effect of missense changes on protein structure and function are either unavailable or do not agree on the potential impact of this missense change. The variant allele was found at a frequency of 6.8e-05 in 250848 control chromosomes. This frequency is not significantly higher than estimated for disease-causing variants in NOTCH3, allowing no conclusion about variant significance. To our knowledge, no occurrence of c.2000G>A in individuals affected with NOTCH3-related conditions and no experimental evidence demonstrating its impact on protein function have been reported. ClinVar contains an entry for this variant (Variation ID: 1049764). Based on the evidence outlined above, the variant was classified as uncertain significance.

Athena Diagnostics
Classification: Benign. Last evaluated: 2025-02-10. Review status: criteria provided, single submitter. Criteria: Athena Diagnostics Criteria. Collection method: clinical testing. Allele origin: unknown.
Comment: The frequency of this variant in the general population is higher than would generally be expected for pathogenic variants in this gene. Computational tools predict this amino acid change may be benign.

Labcorp Genetics (formerly Invitae), Labcorp
Classification: Likely benign. Last evaluated: 2023-09-29. Review status: criteria provided, single submitter. Criteria: Invitae Variant Classification Sherloc (09022015). Collection method: clinical testing. Allele origin: germline.

Blueprint Genetics
Classification: Likely benign. Last evaluated: 2023-02-21. Review status: criteria provided, single submitter. Criteria: ACMG Guidelines, 2015. Collection method: clinical testing. Allele origin: germline.

Department of Pathology and Laboratory Medicine, Sinai Health System
Classification: Uncertain significance. Review status: no assertion criteria provided. Collection method: clinical testing. Allele origin: unknown. Affected: yes. Study: The Canadian Open Genetics Repository (COGR). Not counted in ClinVar's aggregate classification.
Comment: The NOTCH3 p.Gly667Asp variant was not identified in the literature nor was it identified in ClinVar. The variant was identified in dbSNP (ID: rs370386680) and in control databases in 18 of 282214 chromosomes at a frequency of 0.00006378 (Genome Aggregation Database March 6, 2019, v2.1.1). The variant was observed in the following populations: European (non-Finnish) in 15 of 129116 chromosomes (freq: 0.000116), African in 1 of 24946 chromosomes (freq: 0.00004), South Asian in 1 of 30616 chromosomes (freq: 0.000033) and Latino in 1 of 35436 chromosomes (freq: 0.000028), but was not observed in the Ashkenazi Jewish, East Asian, European (Finnish), or Other populations. The p.Gly667 residue is conserved in mammals and computational analyses (PolyPhen-2, SIFT, AlignGVGD, BLOSUM, MutationTaster) provide inconsistent predictions regarding the impact to the protein; this information is not very predictive of pathogenicity. The variant occurs outside of the splicing consensus sequence and in silico or computational prediction software programs (SpliceSiteFinder, MaxEntScan, NNSPLICE, GeneSplicer) do not predict a difference in splicing. In summary, based on the above information the clinical significance of this variant cannot be determined with certainty at this time. This variant is classified as a variant of uncertain significance.